The following is an entry in ClinVar:

NM_003106.4(SOX2):c.859G>C (p.Ala287Pro)

Genes: SOX2 (SRY-box transcription factor 2; plus strand), SOX2-OT (SOX2 overlapping transcript; plus strand). Cytogenetic location: 3q26.33.
Variant type: single nucleotide variant.
Coding change: c.859G>C on transcript NM_003106.4 (MANE Select); coding-DNA position 859, G replaced by C.
Protein change: p.Ala287Pro; replaces alanine 287 with proline.
Molecular consequence: missense variant.
Genome position (GRCh38, 1-based): chr3:181,713,219, G>C. VCF-style: chr3-181713219-G-C. GRCh37 (hg19) VCF-style: chr3-181431007-G-C.
Other names: short protein forms A287P.
Identifiers: ClinVar variation 986759 (VCV000986759.9), dbSNP rs760688357, ClinGen allele CA2717332.

ClinVar aggregate classification (germline): Conflicting classifications of pathogenicity. Review status: criteria provided, conflicting classifications (1 of 4 stars). 3 submissions from 3 submitters: Uncertain significance (1); Benign (1). 1 of the submissions does not count toward it. Last evaluated 2026-04-07.

Conditions:
Anophthalmia/microphthalmia-esophageal atresia syndrome (MCOPS3). Also called: SOX2 Disorder; AEG SYNDROME; MICROPHTHALMIA AND ESOPHAGEAL ATRESIA SYNDROME. Identifiers: Orphanet 77298, MedGen C1859773, MONDO:0008799, OMIM 206900.

Allele frequency attached by ClinVar (database versions not stated): TOPMed 0.00007.

Submissions (3):

Women's Health and Genetics/Laboratory Corporation of America, LabCorp
Classification: Uncertain significance. Last evaluated: 2026-04-07. Review status: criteria provided, single submitter. Criteria: LabCorp Variant Classification Summary - May 2015. Collection method: clinical testing. Allele origin: germline.
Comment: Variant summary: SOX2 c.859G>C (p.Ala287Pro) results in a non-conservative amino acid change in the encoded protein sequence. Algorithms developed to predict the effect of missense changes on protein structure and function are either unavailable or do not agree on the potential impact of this missense change. The variant allele was found at a frequency of 3.3e-05 in 241520 control chromosomes. The available data on variant occurrences in the general population are insufficient to allow any conclusion about variant significance. c.859G>C has been observed in at least one individual(s) affected with clinical features of Anophthalmia/microphthalmia-Esophageal Atresia Syndrome (e.g. Schneider_2009, Chao_2010). These report(s) do not provide unequivocal conclusions about association of the variant with Anophthalmia/microphthalmia-Esophageal Atresia Syndrome. To our knowledge, no experimental evidence demonstrating an impact on protein function has been reported. The following publications have been ascertained in the context of this evaluation (PMID: 20485507, 19921648). ClinVar contains an entry for this variant (Variation ID: 986759). Based on the evidence outlined above, the variant was classified as uncertain significance.

Labcorp Genetics (formerly Invitae), Labcorp
Classification: Benign for Anophthalmia/microphthalmia-esophageal atresia syndrome. Last evaluated: 2025-04-08. Review status: criteria provided, single submitter. Criteria: Invitae Variant Classification Sherloc (09022015). Collection method: clinical testing. Allele origin: germline.

Anophthalmia/Microphthalmia Research Registry, Einstein Medical Center Philadelphia
Classification: Uncertain significance for Anophthalmia/microphthalmia-esophageal atresia syndrome. Review status: no assertion criteria provided. Collection method: research. Allele origin: germline. Inheritance: Autosomal dominant inheritance. Affected: yes. Observed: 1 variant allele. Not counted in ClinVar's aggregate classification.

Literature cited by the submitters: PubMed 20485507 (cited by Women's Health and Genetics/Laboratory Corporation of America, LabCorp); PubMed 19921648 (cited by Women's Health and Genetics/Laboratory Corporation of America, LabCorp).